The following is an entry in ClinVar:

NM_003060.4(SLC22A5):c.861G>C (p.Gln287His)

Gene: SLC22A5 (solute carrier family 22 member 5; plus strand). Cytogenetic location: 5q31.1.
Variant type: single nucleotide variant.
Coding change: c.861G>C on transcript NM_003060.4 (MANE Select); coding-DNA position 861, G replaced by C.
Protein change: p.Gln287His; replaces glutamine 287 with histidine.
Molecular consequence: missense variant.
Genome position (GRCh38, 1-based): chr5:132,387,061, G>C. VCF-style: chr5-132387061-G-C. GRCh37 (hg19) VCF-style: chr5-131722753-G-C.
Other names: c.933G>C, p.Gln311His (NM_001308122.2); short protein forms Q287H, Q311H.
Identifiers: ClinVar variation 969623 (VCV000969623.10), dbSNP rs1182361371, ClinGen allele CA360805570.

ClinVar aggregate classification (germline): Uncertain significance. Review status: criteria provided, single submitter (1 of 4 stars). 2 submissions from 2 submitters: Uncertain significance (1). 1 of the submissions does not count toward it. Last evaluated 2022-04-15.

Conditions:
Decreased circulating carnitine concentration. Also called: Decreased plasma carnitine. Identifiers: MedGen C5848230, HP:0003234.
Renal carnitine transport defect (CDSP). Also called: Systemic primary carnitine deficiency; Carnitine transporter deficiency; Carnitine Deficiency, Systemic; Primary carnitine deficiency; CARNITINE DEFICIENCY, SYSTEMIC, DUE TO DEFECT IN RENAL REABSORPTION OF CARNITINE; CARNITINE TRANSPORTER, PLASMA-MEMBRANE, DEFICIENCY OF. Identifiers: Orphanet 158, MedGen C0342788, MONDO:0008919, OMIM 212140.

Allele frequency attached by ClinVar (database versions not stated): TOPMed below 0.00001.

Submissions (2):

Labcorp Genetics (formerly Invitae), Labcorp
Classification: Uncertain significance for Renal carnitine transport defect. Last evaluated: 2022-04-15. Review status: criteria provided, single submitter. Criteria: Invitae Variant Classification Sherloc (09022015). Collection method: clinical testing. Allele origin: germline.
Comment: This sequence change replaces glutamine, which is neutral and polar, with histidine, which is basic and polar, at codon 287 of the SLC22A5 protein (p.Gln287His). This variant is not present in population databases (gnomAD no frequency). This variant has not been reported in the literature in individuals affected with SLC22A5-related conditions. ClinVar contains an entry for this variant (Variation ID: 969623). Algorithms developed to predict the effect of missense changes on protein structure and function are either unavailable or do not agree on the potential impact of this missense change (SIFT: "Deleterious"; PolyPhen-2: "Benign"; Align-GVGD: "Class C0"). Algorithms developed to predict the effect of sequence changes on RNA splicing suggest that this variant may disrupt the consensus splice site. In summary, the available evidence is currently insufficient to determine the role of this variant in disease. Therefore, it has been classified as a Variant of Uncertain Significance.

Natera, Inc.
Classification: Uncertain significance for Carnitine deficiency. Last evaluated: 2021-03-01. Review status: no assertion criteria provided. Collection method: clinical testing. Allele origin: germline. Not counted in ClinVar's aggregate classification.